The following is an entry in ClinVar:

NM_017739.4(POMGNT1):c.22C>A (p.Pro8Thr)

Gene: POMGNT1 (protein O-linked mannose N-acetylglucosaminyltransferase 1 (beta 1,2-); minus strand). Cytogenetic location: 1p34.1.
Variant type: single nucleotide variant.
Coding change: c.22C>A on transcript NM_017739.4 (MANE Select); coding-DNA position 22, C replaced by A.
Protein change: p.Pro8Thr; replaces proline 8 with threonine.
Molecular consequence: missense variant.
Genome position (GRCh38, 1-based): chr1:46,197,800, G>T on the plus strand (C>A on the coding strand, the complement: POMGNT1 is on the minus strand). VCF-style: chr1-46197800-G-T. GRCh37 (hg19) VCF-style: chr1-46663472-G-T.
Other names: c.22C>A, p.Pro8Thr (NM_001243766.2); short protein forms P8T.
Identifiers: ClinVar variation 948206 (VCV000948206.9), dbSNP rs186444670, ClinGen allele CA833895.

ClinVar aggregate classification (germline): Uncertain significance. Review status: criteria provided, multiple submitters, no conflicts (2 of 4 stars). 4 submissions from 4 submitters: Uncertain significance (3). 1 of the submissions does not count toward it. Last evaluated 2026-05-20.

Conditions:
Autosomal recessive limb-girdle muscular dystrophy type 2O. Also called: MUSCULAR DYSTROPHY-DYSTROGLYCANOPATHY (LIMB-GIRDLE), TYPE C, 3; MUSCULAR DYSTROPHY-DYSTROGLYCANOPATHY, LIMB-GIRDLE, POMGNT1-RELATED; Limb-Girdle Muscular Dystrophy Type 3C. Identifiers: Orphanet 206564, MedGen C3150417, MONDO:0013161, OMIM 613157.
Muscular dystrophy-dystroglycanopathy (congenital with impaired intellectual development), type B, 3. Also called: Muscular dystrophy-dystroglycanopathy (congenital with intellectual disability), type B3; MUSCULAR DYSTROPHY, CONGENITAL, POMGNT1-RELATED. Identifiers: MedGen C3150412, MONDO:0013155, OMIM 613151.
Muscle eye brain disease (MEB). Also called: Santavuori congenital muscular dystrophy. Identifiers: Orphanet 588, Orphanet 899, MedGen C0457133, MONDO:0018939.
Inborn genetic diseases. Identifiers: MedGen C0950123, MeSH D030342.

Allele frequency attached by ClinVar (database versions not stated): gnomAD exomes 0.00004 and 0.00001; 1000 Genomes Project 30x 0.00016; 1000 Genomes Project 0.00020; TOPMed 0.00020; gnomAD 0.00011; ExAC 0.00005; ESP Exome Variant Server 0.00023.
gnomAD v4.1: 36 of 1,614,152 alleles (0.0022%); highest among the groups gnomAD compares: African/African-American, 0.041%; no homozygotes.

Submissions (4):

Ambry Genetics
Classification: Uncertain significance for Inborn genetic diseases. Last evaluated: 2026-05-20. Review status: criteria provided, single submitter. Criteria: Ambry Variant Classification Scheme 2023. Collection method: clinical testing. Allele origin: germline.
Comment: The c.22C>A (p.P8T) alteration is located in exon 2 (coding exon 1) of the POMGNT1 gene. This alteration results from a C to A substitution at nucleotide position 22, causing the proline (P) at amino acid position 8 to be replaced by a threonine (T). Based on data from gnomAD, the A allele has an overall frequency of 0.004% (10/282788) total alleles studied. The highest observed frequency was 0.032% (8/24958) of African alleles. Based on insufficient or conflicting evidence, the clinical significance of this alteration remains unclear.

Labcorp Genetics (formerly Invitae), Labcorp
Classification: Uncertain significance for Autosomal recessive limb-girdle muscular dystrophy type 2O; Muscular dystrophy-dystroglycanopathy (congenital with impaired intellectual development), type B, 3. Last evaluated: 2024-12-02. Review status: criteria provided, single submitter. Criteria: Invitae Variant Classification Sherloc (09022015). Collection method: clinical testing. Allele origin: germline.
Comment: This sequence change replaces proline, which is neutral and non-polar, with threonine, which is neutral and polar, at codon 8 of the POMGNT1 protein (p.Pro8Thr). This variant is present in population databases (rs186444670, gnomAD 0.03%). This variant has not been reported in the literature in individuals affected with POMGNT1-related conditions. ClinVar contains an entry for this variant (Variation ID: 948206). Invitae Evidence Modeling of protein sequence and biophysical properties (such as structural, functional, and spatial information, amino acid conservation, physicochemical variation, residue mobility, and thermodynamic stability) indicates that this missense variant is not expected to disrupt POMGNT1 protein function with a negative predictive value of 95%. In summary, the available evidence is currently insufficient to determine the role of this variant in disease. Therefore, it has been classified as a Variant of Uncertain Significance.

Blueprint Genetics
Classification: Uncertain significance. Last evaluated: 2023-03-27. Review status: criteria provided, single submitter. Criteria: ACMG Guidelines, 2015. Collection method: clinical testing. Allele origin: germline.

Natera, Inc.
Classification: Uncertain significance for Muscle-eye-brain disease. Last evaluated: 2021-03-02. Review status: no assertion criteria provided. Collection method: clinical testing. Allele origin: germline. Not counted in ClinVar's aggregate classification.